The following is an entry in ClinVar:

ClinVar aggregate classification (germline): Likely benign. Review status: criteria provided, multiple submitters, no conflicts (2 of 4 stars). 3 submissions from 3 submitters: Likely benign (3). Last evaluated 2026-07-01.

Allele frequency attached by ClinVar (database versions not stated): 1000 Genomes Project 0.00399; 1000 Genomes Project 30x 0.00453.
gnomAD v4.1: 1,252 of 1,613,854 alleles (0.078%); highest among the groups gnomAD compares: African/African-American, 1.4%; 8 homozygotes.

Submissions (3):

CeGaT Center for Human Genetics Tuebingen
Classification: Likely benign. Last evaluated: 2026-07-01. Review status: criteria provided, single submitter. Criteria: CeGaT Center For Human Genetics Tuebingen Variant Classification Criteria Version 2. Collection method: clinical testing. Allele origin: germline. Affected: yes. Observed: 7 variant alleles.
Comment: KCNQ1OT1: BS1

GeneDx
Classification: Likely benign. Last evaluated: 2018-07-14. Review status: criteria provided, single submitter. Criteria: GeneDx Variant Classification Process June 2021. Collection method: clinical testing. Allele origin: germline. Affected: yes.

Breakthrough Genomics
Classification: Likely benign. Review status: criteria provided, single submitter. Criteria: ACMG Guidelines, 2015. Collection method: not provided. Allele origin: germline. Inheritance: Autosomal recessive inheritance. Affected: yes.

NM_000218.3(KCNQ1):c.1394-41G>T

Genes: KCNQ1 (potassium voltage-gated channel subfamily Q member 1; plus strand), KCNQ1OT1 (KCNQ1 opposite strand/antisense transcript 1; minus strand). Cytogenetic location: 11p15.5.
Variant type: single nucleotide variant.
Coding change: c.1394-41G>T on transcript NM_000218.3 (MANE Select); 41 bases into the intron before coding-DNA position 1394, G replaced by T.
Molecular consequence: intron variant.
Genome position (GRCh38, 1-based): chr11:2,661,920, G>T. VCF-style: chr11-2661920-G-T. GRCh37 (hg19) VCF-style: chr11-2683150-G-T.
Other names: c.1124-41G>T (NM_001406837.1); c.1298-41G>T (NM_001406836.1); c.854-41G>T (NM_001406838.1); c.1013-41G>T (NM_181798.2).
Identifiers: ClinVar variation 1215086 (VCV001215086.28), dbSNP rs74046836, ClinGen allele CA029684.